The following is an entry in ClinVar:

NM_001165963.4(SCN1A):c.3962T>C (p.Leu1321Pro)

Genes: SCN1A (sodium voltage-gated channel alpha subunit 1; minus strand), LOC102724058 (uncharacterized LOC102724058; plus strand). Cytogenetic location: 2q24.3.
Variant type: single nucleotide variant.
Coding change: c.3962T>C on transcript NM_001165963.4 (MANE Select); coding-DNA position 3962, T replaced by C.
Protein change: p.Leu1321Pro; replaces leucine 1321 with proline.
Molecular consequence: missense variant. On other transcripts: non-coding transcript variant (1).
Genome position (GRCh38, 1-based): chr2:166,009,759, A>G on the plus strand (T>C on the coding strand, the complement: SCN1A is on the minus strand). VCF-style: chr2-166009759-A-G. GRCh37 (hg19) VCF-style: chr2-166866269-A-G.
Other names: c.3878T>C, p.Leu1293Pro (NM_001165964.3, NM_001353957.2, NM_001353958.2); c.3962T>C, p.Leu1321Pro (NM_001202435.3, NM_001353948.2); c.3929T>C, p.Leu1310Pro (NM_001353949.2, NM_001353950.2, NM_001353951.2 and 2 more transcripts); c.3926T>C, p.Leu1309Pro (NM_001353954.2, NM_001353955.2); c.3875T>C, p.Leu1292Pro (NM_001353960.2); c.1520T>C, p.Leu507Pro (NM_001353961.2); short protein forms L1293P, L1321P, L507P, L1292P, L1309P, L1310P.
Identifiers: ClinVar variation 862392 (VCV000862392.11), dbSNP rs1692162066, ClinGen allele CA349053066.
Genomic context (GRCh38, chr2:166,009,759, plus strand): 5'-GGTTCTTTCATTTTTCTTACCCTCATCCCTTCAAATCGAGATAAGGCTCTTAGAGGTCTC[A>G]GAGCTCTTAGTGTCCTGAGAGATTTGATGGCTCCAAGTTCTGAGTAACCCAAGGCATTTG-3'
Protein context (NP_001159435.1, residues 1311-1331): AIKSLRTLRA[Leu1321Pro]RPLRALSRFE

ClinVar aggregate classification (germline): Conflicting classifications of pathogenicity. Review status: criteria provided, conflicting classifications (1 of 4 stars). 2 submissions from 2 submitters: Likely pathogenic (1); Uncertain significance (1). Last evaluated 2026-01-26.

Conditions:
SCN1A-related disorder. Also called: SCN1A-related conditions; SCN1A-related condition; SCN1A-related disorders.
Early-infantile DEE. Also called: Early infantile epileptic encephalopathy; Ohtahara syndrome; Early infantile epileptic encephalopathy with suppression bursts. Identifiers: Orphanet 1934, MedGen C0393706, MONDO:0800491.

Submissions (2):

3billion
Classification: Likely pathogenic for SCN1A-related disorder. Last evaluated: 2026-01-26. Review status: criteria provided, single submitter. Criteria: ACMG Guidelines, 2015. Collection method: clinical testing. Allele origin: germline. Affected: yes.
Comment: The variant is not observed in the gnomAD v4.1.0 dataset. Predicted Consequence/Location: Missense variant In silico tool predictions suggest damaging effect of the variant on gene or gene product [REVEL: 0.98 (>=0.6, sensitivity 0.68 and specificity 0.92); 3Cnet: 0.99 (> 0.75, sensitivity 0.96 and precision 0.92)]. The same nucleotide change resulting in the same amino acid change has been previously reported to be associated with SCN1A-related disorder (PMID: 33108073). The variant has been previously reported as assumed (i.e. paternity and maternity not confirmed) de novo in at least one similarly affected unrelated individual (PMID: 33108073). Therefore, this variant is classified as Likely pathogenic according to the recommendation of ACMG/AMP guideline.

Labcorp Genetics (formerly Invitae), Labcorp
Classification: Uncertain significance for Early-infantile DEE. Last evaluated: 2019-04-03. Review status: criteria provided, single submitter. Criteria: Invitae Variant Classification Sherloc (09022015). Collection method: clinical testing. Allele origin: germline.
Comment: In summary, the available evidence is currently insufficient to determine the role of this variant in disease. Therefore, it has been classified as a Variant of Uncertain Significance. This sequence change replaces leucine with proline at codon 1321 of the SCN1A protein (p.Leu1321Pro). The leucine residue is highly conserved and there is a moderate physicochemical difference between leucine and proline. This variant is not present in population databases (ExAC no frequency). This variant has not been reported in the literature in individuals with SCN1A-related conditions. Algorithms developed to predict the effect of missense changes on protein structure and function (SIFT, PolyPhen-2, Align-GVGD) all suggest that this variant is likely to be disruptive, but these predictions have not been confirmed by published functional studies and their clinical significance is uncertain.

Literature cited by the submitters: PubMed 33108073 (cited by 3billion).